The following is an entry in ClinVar:

ClinVar aggregate classification (germline): Uncertain significance. Review status: criteria provided, multiple submitters, no conflicts (2 of 4 stars). 3 submissions from 3 submitters: Uncertain significance (3). Last evaluated 2025-03-25.

Conditions:
Ehlers-Danlos syndrome (EDS). Identifiers: Orphanet 98249, MedGen C0013720, MONDO:0020066.
Ehlers-Danlos syndrome, dermatosparaxis type. Also called: Dermatosparaxis; Ehlers-Danlos syndrome, type VII, autosomal recessive; EDS VIIC. Identifiers: Orphanet 1901, MedGen C2700425, MONDO:0009161, OMIM 225410.

Allele frequency attached by ClinVar (database versions not stated): gnomAD exomes below 0.00001; gnomAD 0.00001; ExAC 0.00002.
gnomAD v4.1: 30 of 1,613,806 alleles (0.0019%); highest among the groups gnomAD compares: Non-Finnish European, 0.0023%; no homozygotes.

Submissions (3):

Labcorp Genetics (formerly Invitae), Labcorp
Classification: Uncertain significance for Ehlers-Danlos syndrome, dermatosparaxis type. Last evaluated: 2025-03-25. Review status: criteria provided, single submitter. Criteria: Invitae Variant Classification Sherloc (09022015). Collection method: clinical testing. Allele origin: germline.
Comment: This sequence change replaces glycine, which is neutral and non-polar, with serine, which is neutral and polar, at codon 701 of the ADAMTS2 protein (p.Gly701Ser). The frequency data for this variant in the population databases is considered unreliable, as metrics indicate poor data quality at this position in the gnomAD database. This variant has not been reported in the literature in individuals affected with ADAMTS2-related conditions. ClinVar contains an entry for this variant (Variation ID: 1702188). An algorithm developed to predict the effect of missense changes on protein structure and function (PolyPhen-2) suggests that this variant is likely to be disruptive. In summary, the available evidence is currently insufficient to determine the role of this variant in disease. Therefore, it has been classified as a Variant of Uncertain Significance.

GeneDx
Classification: Uncertain significance. Last evaluated: 2023-02-03. Review status: criteria provided, single submitter. Criteria: GeneDx Variant Classification Process June 2021. Collection method: clinical testing. Allele origin: germline. Affected: yes.
Comment: Not observed at a significant frequency in large population cohorts (gnomAD); In silico analysis supports that this missense variant does not alter protein structure/function; Has not been previously published as pathogenic or benign to our knowledge

Genome Diagnostics Laboratory, The Hospital for Sick Children
Classification: Uncertain significance for Ehlers-Danlos syndrome. Last evaluated: 2019-10-01. Review status: criteria provided, single submitter. Criteria: ACMG Guidelines, 2015. Collection method: clinical testing. Allele origin: germline.

NM_014244.5(ADAMTS2):c.2101G>A (p.Gly701Ser)

Gene: ADAMTS2 (ADAM metallopeptidase with thrombospondin type 1 motif 2; minus strand). Cytogenetic location: 5q35.3.
Variant type: single nucleotide variant.
Coding change: c.2101G>A on transcript NM_014244.5 (MANE Select); coding-DNA position 2101, G replaced by A.
Protein change: p.Gly701Ser; replaces glycine 701 with serine.
Molecular consequence: missense variant.
Genome position (GRCh38, 1-based): chr5:179,132,885, C>T on the plus strand (G>A on the coding strand, the complement: ADAMTS2 is on the minus strand). VCF-style: chr5-179132885-C-T. GRCh37 (hg19) VCF-style: chr5-178559886-C-T.
Other names: short protein forms G701S.
Identifiers: ClinVar variation 1702188 (VCV001702188.5), dbSNP rs755490840, ClinGen allele CA3595658.